The following is an entry in ClinVar:

NM_001349338.3(FOXP1):c.165GCA[3] (p.Gln60del)

Gene: FOXP1 (forkhead box P1; minus strand). Cytogenetic location: 3p13.
Variant type: Microsatellite.
Coding change: c.165GCA[3] on transcript NM_001349338.3 (MANE Select); three copies in a row of the 3-base unit GCA starting at c.165; the reference has four copies in a row; one copy, 3 bases deleted.
Protein change: p.Gln60del; deletes glutamine 60.
Molecular consequence: inframe deletion. On other transcripts: inframe indel (1), non-coding transcript variant (2).
Genome position (GRCh38, 1-based): chr3:71,198,206-71,198,208, TGC deleted on the plus strand (GCA on the coding strand, the reverse complement: FOXP1 is on the minus strand); deleting any 3 consecutive bases within chr3:71,198,206-71,198,219 gives the same sequence; the position shown is the placement nearest the transcript's 3' end. VCF-style (leftmost placement, unchanged base first): chr3-71198205-TTGC-T. GRCh37 (hg19) VCF-style: chr3-71247356-TTGC-T.
Other names: c.165GCA[3], p.Gln60del (NM_001012505.2, NM_001244808.3, NM_001244810.2 and 6 more transcripts); c.163_165CAG[3], p.Gln60del (NM_001349339.1); c.174_176del (NM_032682.6); short protein forms Q60del.
Identifiers: ClinVar variation 2115509 (VCV002115509.9), dbSNP rs370638902, ClinGen allele CA77135940.
Genomic context (GRCh38, chr3:71,198,205, plus strand): 5'-TCAGCAGTAAAATTCGCACCCACCACCTCCACCTCCCAAGACTCCAAAGCCCAGTACCTG[TTGC>T]TGCTGCTGCTGGGCGTGGGCGAGGTCAGCTGCCCCGATGTCCACGGCCGGCGTCTCTCCG-3'

ClinVar aggregate classification (germline): Uncertain significance. Review status: criteria provided, multiple submitters, no conflicts (2 of 4 stars). 4 submissions from 4 submitters: Uncertain significance (4). Last evaluated 2025-05-22.

Conditions:
Intellectual disability-severe speech delay-mild dysmorphism syndrome (IDDLA). Also called: Mental retardation with language impairment and autistic features; Intellectual developmental disorder with language impairment AND with or without autistic features; FOXP1 Syndrome. Identifiers: Orphanet 391372, MedGen C4013764, MONDO:0013352, OMIM 613670.

Submissions (4):

Labcorp Genetics (formerly Invitae), Labcorp
Classification: Uncertain significance. Last evaluated: 2025-05-22. Review status: criteria provided, single submitter. Criteria: Invitae Variant Classification Sherloc (09022015). Collection method: clinical testing. Allele origin: germline.
Comment: This variant, c.174_176del, results in the deletion of 1 amino acid(s) of the FOXP1 protein (p.Gln60del), but otherwise preserves the integrity of the reading frame. The frequency data for this variant in the population databases is considered unreliable, as metrics indicate poor data quality at this position in the gnomAD database. This variant has not been reported in the literature in individuals affected with FOXP1-related conditions. ClinVar contains an entry for this variant (Variation ID: 2115509). Experimental studies and prediction algorithms are not available or were not evaluated, and the functional significance of this variant is currently unknown. In summary, the available evidence is currently insufficient to determine the role of this variant in disease. Therefore, it has been classified as a Variant of Uncertain Significance.

Genomic Medicine Center of Excellence, King Faisal Specialist Hospital and Research Centre
Classification: Uncertain significance for Intellectual disability-severe speech delay-mild dysmorphism syndrome. Last evaluated: 2024-04-04. Review status: criteria provided, single submitter. Criteria: ACMG Guidelines, 2015. Collection method: clinical testing. Allele origin: germline.

GeneDx
Classification: Uncertain significance. Last evaluated: 2022-10-04. Review status: criteria provided, single submitter. Criteria: GeneDx Variant Classification Process June 2021. Collection method: clinical testing. Allele origin: germline. Affected: yes.
Comment: Has not been previously published as pathogenic or benign to our knowledge; In-frame deletion of 1 amino acids in a repetitive region with no known function; In silico analysis supports a deleterious effect on protein structure/function

Revvity Omics, Revvity
Classification: Uncertain significance for Intellectual disability-severe speech delay-mild dysmorphism syndrome. Last evaluated: 2022-06-29. Review status: criteria provided, single submitter. Criteria: ACMG Guidelines, 2015. Collection method: clinical testing. Allele origin: germline.